The following is an entry in ClinVar:

NM_000059.4(BRCA2):c.8338G>A (p.Ala2780Thr)

Gene: BRCA2 (BRCA2 DNA repair associated; plus strand). Cytogenetic location: 13q13.1.
Variant type: single nucleotide variant.
Coding change: c.8338G>A on transcript NM_000059.4 (MANE Select); coding-DNA position 8338, G replaced by A.
Protein change: p.Ala2780Thr; replaces alanine 2780 with threonine.
Molecular consequence: missense variant. On other transcripts: non-coding transcript variant (1).
Genome position (GRCh38, 1-based): chr13:32,370,408, G>A. VCF-style: chr13-32370408-G-A. GRCh37 (hg19) VCF-style: chr13-32944545-G-A.
Other names: c.8242G>A, p.Ala2748Thr (NM_001406719.1); c.8338G>A, p.Ala2780Thr (NM_001406720.1, NM_001432077.1); c.3406G>A, p.Ala1136Thr (NM_001406721.1); c.1921G>A, p.Ala641Thr (NM_001406722.1); short protein forms A2748T, A2780T, A1136T, A641T.
Identifiers: ClinVar variation 3636537 (VCV003636537.3).

ClinVar aggregate classification (germline): Conflicting classifications of pathogenicity. Review status: criteria provided, conflicting classifications (1 of 4 stars). 2 submissions from 2 submitters: Uncertain significance (1); Likely benign (1). Last evaluated 2025-07-07.

Conditions:
Hereditary breast ovarian cancer syndrome. Also called: Hereditary breast and ovarian cancer syndrome; Hereditary breast and ovarian cancer syndrome (HBOC); BRCA1- and BRCA2-Associated Hereditary Breast and Ovarian Cancer; Hereditary breast and ovarian cancer; Breast and ovarian cancer; Hereditary breast and/or ovarian cancer syndrome. Identifiers: Orphanet 145, MedGen C0677776, MeSH D061325, MONDO:0003582. Disease mechanism: loss of function.
Hereditary cancer-predisposing syndrome. Also called: Neoplastic Syndromes, Hereditary; Tumor predisposition; Hereditary Cancer Syndrome; Hereditary neoplastic syndrome. Identifiers: Orphanet 140162, MedGen C0027672, MeSH D009386, MONDO:0015356.

Submissions (2):

Ambry Genetics
Classification: Likely benign for Hereditary cancer-predisposing syndrome. Last evaluated: 2025-07-07. Review status: criteria provided, single submitter. Criteria: Ambry Variant Classification Scheme 2023. Collection method: clinical testing. Allele origin: germline.

Labcorp Genetics (formerly Invitae), Labcorp
Classification: Uncertain significance for Hereditary breast ovarian cancer syndrome. Last evaluated: 2024-10-29. Review status: criteria provided, single submitter. Criteria: Invitae Variant Classification Sherloc (09022015). Collection method: clinical testing. Allele origin: germline.
Comment: This sequence change replaces alanine, which is neutral and non-polar, with threonine, which is neutral and polar, at codon 2780 of the BRCA2 protein (p.Ala2780Thr). This variant is not present in population databases (gnomAD no frequency). This variant has not been reported in the literature in individuals affected with BRCA2-related conditions. Invitae Evidence Modeling of protein sequence and biophysical properties (such as structural, functional, and spatial information, amino acid conservation, physicochemical variation, residue mobility, and thermodynamic stability) indicates that this missense variant is not expected to disrupt BRCA2 protein function with a negative predictive value of 95%. In summary, the available evidence is currently insufficient to determine the role of this variant in disease. Therefore, it has been classified as a Variant of Uncertain Significance.